The following is an entry in ClinVar:

ClinVar aggregate classification (germline): Likely benign. Review status: criteria provided, multiple submitters, no conflicts (2 of 4 stars). 2 submissions from 2 submitters: Likely benign (2). Last evaluated 2024-05-06.

Allele frequency attached by ClinVar (database versions not stated): gnomAD exomes below 0.00001; TOPMed below 0.00001; ExAC 0.00002.
gnomAD v4.1: 7 of 1,612,642 alleles (0.00043%); highest among the groups gnomAD compares: Middle Eastern, 0.033%; no homozygotes.

Submissions (2):

Labcorp Genetics (formerly Invitae), Labcorp
Classification: Likely benign. Last evaluated: 2024-05-06. Review status: criteria provided, single submitter. Criteria: Invitae Variant Classification Sherloc (09022015). Collection method: clinical testing. Allele origin: germline.

CeGaT Center for Human Genetics Tuebingen
Classification: Likely benign. Last evaluated: 2023-07-01. Review status: criteria provided, single submitter. Criteria: CeGaT Center For Human Genetics Tuebingen Variant Classification Criteria Version 2. Collection method: clinical testing. Allele origin: germline. Affected: yes. Observed: 1 variant allele.
Comment: DMXL2: BP4, BP7

NM_001378457.1(DMXL2):c.6195T>C (p.Asp2065=)

Gene: DMXL2 (Dmx like 2; minus strand). Cytogenetic location: 15q21.2.
Variant type: single nucleotide variant.
Coding change: c.6195T>C on transcript NM_001378457.1 (MANE Select); coding-DNA position 6195, T replaced by C.
Protein change: p.Asp2065=; no amino-acid change (aspartic acid 2065 retained).
Molecular consequence: synonymous variant. On other transcripts: non-coding transcript variant (2).
Genome position (GRCh38, 1-based): chr15:51,480,911, A>G on the plus strand (T>C on the coding strand, the complement: DMXL2 is on the minus strand). VCF-style: chr15-51480911-A-G. GRCh37 (hg19) VCF-style: chr15-51773108-A-G.
Other names: c.6195T>C, p.Asp2065= (NM_001174116.3, NM_001378458.1, NM_001378459.1 and 4 more transcripts); c.4287T>C, p.Asp1429= (NM_001174117.3); c.4176T>C, p.Asp1392= (NM_001378460.1); c.5955T>C, p.Asp1985= (NM_001378464.1).
Identifiers: ClinVar variation 2578741 (VCV002578741.28), dbSNP rs776337376, ClinGen allele CA7561677.